The following is an entry in ClinVar:

ClinVar aggregate classification (germline): Conflicting classifications of pathogenicity. Review status: criteria provided, conflicting classifications (1 of 4 stars). 2 submissions from 2 submitters: Likely pathogenic (1); Uncertain significance (1). Last evaluated 2023-05-06.

Conditions:
Congenital hyperammonemia, type I. Also called: Carbamoyl phosphate synthetase 1 deficiency; Hyperammonemia due to carbamoyl phosphate synthetase 1 deficiency; CPS 1 deficiency; Carbamyl phosphate synthetase (CPS) deficiency; CPS I DEFICIENCY; Carbamoyl phosphate synthetase I deficiency disease. Identifiers: Orphanet 147, MedGen C4082171, MONDO:0009376, OMIM 237300.

Allele frequency attached by ClinVar (database versions not stated): TOPMed below 0.00001.

Submissions (2):

GeneDx
Classification: Uncertain significance. Last evaluated: 2023-05-06. Review status: criteria provided, single submitter. Criteria: GeneDx Variant Classification Process June 2021. Collection method: clinical testing. Allele origin: germline. Affected: yes.
Comment: Not observed at significant frequency in large population cohorts (gnomAD); In silico analysis supports that this missense variant has a deleterious effect on protein structure/function; Has not been previously published as pathogenic or benign to our knowledge

Mendelics
Classification: Likely pathogenic for Congenital hyperammonemia, type I. Last evaluated: 2019-05-28. Review status: criteria provided, single submitter. Criteria: Mendelics Assertion Criteria 2017. Collection method: clinical testing. Allele origin: unknown.

NM_001875.5(CPS1):c.3125A>C (p.Asp1042Ala)

Gene: CPS1 (carbamoyl-phosphate synthase 1; plus strand). Cytogenetic location: 2q34.
Variant type: single nucleotide variant.
Coding change: c.3125A>C on transcript NM_001875.5 (MANE Select); coding-DNA position 3125, A replaced by C.
Protein change: p.Asp1042Ala; replaces aspartic acid 1042 with alanine.
Molecular consequence: missense variant. On other transcripts: non-coding transcript variant (2).
Genome position (GRCh38, 1-based): chr2:210,642,649, A>C. VCF-style: chr2-210642649-A-C. GRCh37 (hg19) VCF-style: chr2-211507373-A-C.
Other names: c.3125A>C, p.Asp1042Ala (NM_001122633.3, NM_001369257.1); c.3158A>C, p.Asp1053Ala (NM_001369256.1); c.3125A>C (NM_001875.4); short protein forms D1042A, D1053A.
Identifiers: ClinVar variation 801869 (VCV000801869.2), dbSNP rs1574632659, ClinGen allele CA350434438.